The following is an entry in ClinVar:

ClinVar aggregate classification (germline): Uncertain significance (1 of 4 stars; one submission).

Conditions:
Baller-Gerold syndrome (BGS). Also called: CRANIOSYNOSTOSIS WITH RADIAL DEFECTS. Identifiers: Orphanet 1225, MedGen C0265308, MONDO:0009039, OMIM 218600.

Allele frequency attached by ClinVar (database versions not stated): TOPMed below 0.00001.

Submission:

Labcorp Genetics (formerly Invitae), Labcorp
Classification: Uncertain significance for Baller-Gerold syndrome. Last evaluated: 2025-07-17. Review status: criteria provided, single submitter. Criteria: Invitae Variant Classification Sherloc (09022015). Collection method: clinical testing. Allele origin: germline.
Comment: This sequence change creates a premature translational stop signal (p.Trp1184*) in the RECQL4 gene. While this is not anticipated to result in nonsense mediated decay, it is expected to disrupt the last 25 amino acid(s) of the RECQL4 protein. This variant is not present in population databases (gnomAD no frequency). This variant has not been reported in the literature in individuals affected with RECQL4-related conditions. ClinVar contains an entry for this variant (Variation ID: 2789980). Experimental studies and prediction algorithms are not available or were not evaluated, and the functional significance of this variant is currently unknown. In summary, the available evidence is currently insufficient to determine the role of this variant in disease. Therefore, it has been classified as a Variant of Uncertain Significance.

NM_004260.4(RECQL4):c.3551G>A (p.Trp1184Ter)

Gene: RECQL4 (RecQ like helicase 4; minus strand). Cytogenetic location: 8q24.3.
Variant type: single nucleotide variant.
Coding change: c.3551G>A on transcript NM_004260.4 (MANE Select); coding-DNA position 3551, G replaced by A.
Protein change: p.Trp1184Ter; replaces tryptophan 1184 with a stop codon.
Molecular consequence: nonsense. On other transcripts: non-coding transcript variant (3).
Genome position (GRCh38, 1-based): chr8:144,511,507, C>T on the plus strand (G>A on the coding strand, the complement: RECQL4 is on the minus strand). VCF-style: chr8-144511507-C-T. GRCh37 (hg19) VCF-style: chr8-145736890-C-T.
Other names: c.3257G>A, p.Trp1086Ter (NM_001413017.1); c.3353G>A, p.Trp1118Ter (NM_001413018.1); c.3626G>A, p.Trp1209Ter (NM_001413019.1); c.3455G>A, p.Trp1152Ter (NM_001413020.1); c.2480G>A, p.Trp827Ter (NM_001413021.1, NM_001413022.1, NM_001413024.1 and 4 more transcripts); c.2555G>A, p.Trp852Ter (NM_001413023.1); c.3422G>A, p.Trp1141Ter (NM_001413025.1); c.2414G>A, p.Trp805Ter (NM_001413027.1, NM_001413030.1, NM_001413032.1); and 9 more; short protein forms W1141*, W1174*, W805*, W1086*, W1187*, W827*, W830*, W1067*.
Identifiers: ClinVar variation 2789980 (VCV002789980.3), dbSNP rs1827186148, ClinGen allele CA372665908.